The following is an entry in ClinVar:

ClinVar aggregate classification (germline): Uncertain significance (1 of 4 stars; one submission).

Submission:

Labcorp Genetics (formerly Invitae), Labcorp
Classification: Uncertain significance. Last evaluated: 2020-12-18. Review status: criteria provided, single submitter. Criteria: Invitae Variant Classification Sherloc (09022015). Collection method: clinical testing. Allele origin: germline.
Comment: In summary, the available evidence is currently insufficient to determine the role of this variant in disease. Therefore, it has been classified as a Variant of Uncertain Significance. Algorithms developed to predict the effect of missense changes on protein structure and function (SIFT, PolyPhen-2, Align-GVGD) all suggest that this variant is likely to be tolerated, but these predictions have not been confirmed by published functional studies and their clinical significance is uncertain. This variant has not been reported in the literature in individuals with FAM161A-related conditions. This variant is not present in population databases (ExAC no frequency). This sequence change replaces aspartic acid with asparagine at codon 63 of the FAM161A protein (p.Asp63Asn). The aspartic acid residue is weakly conserved and there is a small physicochemical difference between aspartic acid and asparagine.

NM_001201543.2(FAM161A):c.187G>A (p.Asp63Asn)

Gene: FAM161A (FAM161 centrosomal protein A; minus strand). Cytogenetic location: 2p15.
Variant type: single nucleotide variant.
Coding change: c.187G>A on transcript NM_001201543.2 (MANE Select); coding-DNA position 187, G replaced by A.
Protein change: p.Asp63Asn; replaces aspartic acid 63 with asparagine.
Molecular consequence: missense variant. On other transcripts: non-coding transcript variant (1).
Genome position (GRCh38, 1-based): chr2:61,842,357, C>T on the plus strand (G>A on the coding strand, the complement: FAM161A is on the minus strand). VCF-style: chr2-61842357-C-T. GRCh37 (hg19) VCF-style: chr2-62069492-C-T.
Other names: c.187G>A, p.Asp63Asn (NM_032180.3); short protein forms D63N.
Identifiers: ClinVar variation 1357365 (VCV001357365.8), dbSNP rs2105087186, ClinGen allele CA346989755.